The following is an entry in ClinVar:

NM_001353921.2(ARHGEF9):c.632C>T (p.Ala211Val)

Gene: ARHGEF9 (Cdc42 guanine nucleotide exchange factor 9; minus strand). Cytogenetic location: Xq11.1.
Variant type: single nucleotide variant.
Coding change: c.632C>T on transcript NM_001353921.2 (MANE Select); coding-DNA position 632, C replaced by T.
Protein change: p.Ala211Val; replaces alanine 211 with valine.
Molecular consequence: missense variant.
Genome position (GRCh38, 1-based): chrX:63,678,523, G>A on the plus strand (C>T on the coding strand, the complement: ARHGEF9 is on the minus strand). VCF-style: chrX-63678523-G-A. GRCh37 (hg19) VCF-style: chrX-62898403-G-A.
Other names: c.452C>T, p.Ala151Val (NM_001173479.2); c.305C>T, p.Ala102Val (NM_001173480.2, NM_001369042.1); c.548C>T, p.Ala183Val (NM_001330495.2, NM_001369034.1, NM_001369035.1 and 8 more transcripts); c.431C>T, p.Ala144Val (NM_001369039.1, NM_001369040.1, NM_001353924.2 and 1 more transcripts); c.632C>T, p.Ala211Val (NM_001353922.2); c.650C>T, p.Ala217Val (NM_001353923.1); c.611C>T, p.Ala204Val (NM_001353928.2, NM_001369030.1, NM_001369031.1 and 2 more transcripts); c.197C>T, p.Ala66Val (NM_001369045.1); short protein forms A144V, A151V, A102V, A211V, A66V, A183V, A204V, A217V.
Identifiers: ClinVar variation 1498297 (VCV001498297.6), dbSNP rs2147334711, ClinGen allele CA413406653.

ClinVar aggregate classification (germline): Uncertain significance (1 of 4 stars; one submission).

Conditions:
Developmental and epileptic encephalopathy, 8 (DEE8). Also called: HYPEREKPLEXIA AND EPILEPSY. Identifiers: Orphanet 163985, Orphanet 2076, MedGen C1845102, MONDO:0010375, OMIM 300607.

Submission:

Labcorp Genetics (formerly Invitae), Labcorp
Classification: Uncertain significance for Developmental and epileptic encephalopathy, 8. Last evaluated: 2021-12-22. Review status: criteria provided, single submitter. Criteria: Invitae Variant Classification Sherloc (09022015). Collection method: clinical testing. Allele origin: germline.
Comment: This missense change has been observed in individual(s) with clinical features of ARHGEF9-related conditions (Invitae). This sequence change replaces alanine, which is neutral and non-polar, with valine, which is neutral and non-polar, at codon 204 of the ARHGEF9 protein (p.Ala204Val). This variant is not present in population databases (gnomAD no frequency). Algorithms developed to predict the effect of missense changes on protein structure and function are either unavailable or do not agree on the potential impact of this missense change (SIFT: "Deleterious"; PolyPhen-2: "Probably Damaging"; Align-GVGD: "Class C0"). In summary, the available evidence is currently insufficient to determine the role of this variant in disease. Therefore, it has been classified as a Variant of Uncertain Significance.